The following is an entry in ClinVar:

ClinVar aggregate classification (germline): Benign. Review status: criteria provided, single submitter (1 of 4 stars). 2 submissions from 2 submitters: Benign (1). 1 of the submissions does not count toward it. Last evaluated 2023-10-03.

Conditions:
ADNP-related disorder. Also called: ADNP-related condition.

Submissions (2):

Labcorp Genetics (formerly Invitae), Labcorp
Classification: Benign. Last evaluated: 2023-10-03. Review status: criteria provided, single submitter. Criteria: Invitae Variant Classification Sherloc (09022015). Collection method: clinical testing. Allele origin: germline.

PreventionGenetics, part of Exact Sciences
Classification: Likely benign for ADNP-related condition. Last evaluated: 2023-10-27. Review status: no assertion criteria provided. Collection method: clinical testing. Allele origin: germline. Not counted in ClinVar's aggregate classification.
Comment: This variant is classified as likely benign based on ACMG/AMP sequence variant interpretation guidelines (Richards et al. 2015 PMID: 25741868, with internal and published modifications).

NM_001282531.3(ADNP):c.1212G>A (p.Ser404=)

Gene: ADNP (activity dependent neuroprotector homeobox; minus strand). Cytogenetic location: 20q13.13.
Variant type: single nucleotide variant.
Coding change: c.1212G>A on transcript NM_001282531.3 (MANE Select); coding-DNA position 1212, G replaced by A.
Protein change: p.Ser404=; no amino-acid change (serine 404 retained).
Molecular consequence: synonymous variant.
Genome position (GRCh38, 1-based): chr20:50,893,502, C>T on the plus strand (G>A on the coding strand, the complement: ADNP is on the minus strand). VCF-style: chr20-50893502-C-T. GRCh37 (hg19) VCF-style: chr20-49510039-C-T.
Other names: c.1212G>A, p.Ser404= (NM_001282532.2, NM_001347511.2, NM_015339.5 and 1 more transcripts); c.1212G>A (NM_001282531.2).
Identifiers: ClinVar variation 2869379 (VCV002869379.5), dbSNP rs139951165, ClinGen allele CA9908753.